The following is an entry in ClinVar:

NM_052947.4(ALPK2):c.5159G>A (p.Ser1720Asn)

Genes: ALPK2 (alpha kinase 2; minus strand), LOC130062577 (ATAC-STARR-seq lymphoblastoid active region 13389; plus strand). Cytogenetic location: 18q21.31.
Variant type: single nucleotide variant.
Coding change: c.5159G>A on transcript NM_052947.4 (MANE Select); coding-DNA position 5159, G replaced by A.
Protein change: p.Ser1720Asn; replaces serine 1720 with asparagine.
Molecular consequence: missense variant.
Genome position (GRCh38, 1-based): chr18:58,535,028, C>T on the plus strand (G>A on the coding strand, the complement: ALPK2 is on the minus strand). VCF-style: chr18-58535028-C-T. GRCh37 (hg19) VCF-style: chr18-56202260-C-T.
Other names: short protein forms S1720N.
Identifiers: ClinVar variation 1745702 (VCV001745702.2), dbSNP rs767790566, ClinGen allele CA8976566.

ClinVar aggregate classification (germline): Uncertain significance (1 of 4 stars; one submission).

Allele frequency attached by ClinVar (database versions not stated): ExAC 0.00001.
gnomAD v4.1: 4 of 1,614,180 alleles (0.00025%); highest among the groups gnomAD compares: Admixed American, 0.0017%; no homozygotes.

Submission:

Ambry Genetics
Classification: Uncertain significance. Last evaluated: 2024-02-20. Review status: criteria provided, single submitter. Criteria: Ambry Variant Classification Scheme 2023. Collection method: clinical testing. Allele origin: germline.
Comment: The p.S1720N variant (also known as c.5159G>A), located in coding exon 4 of the ALPK2 gene, results from a G to A substitution at nucleotide position 5159. The serine at codon 1720 is replaced by asparagine, an amino acid with highly similar properties. This amino acid position is conserved. In addition, this alteration is predicted to be tolerated by in silico analysis. Since supporting evidence is limited at this time, the clinical significance of this alteration remains unclear.